The following is an entry in ClinVar:

NM_004820.5(CYP7B1):c.122+8C>T

Gene: CYP7B1 (cytochrome P450 family 7 subfamily B member 1; minus strand). Cytogenetic location: 8q12.3.
Variant type: single nucleotide variant.
Coding change: c.122+8C>T on transcript NM_004820.5 (MANE Select); 8 bases into the intron after coding-DNA position 122, C replaced by T.
Molecular consequence: intron variant.
Genome position (GRCh38, 1-based): chr8:64,798,458, G>A on the plus strand (C>T on the coding strand, the complement: CYP7B1 is on the minus strand). VCF-style: chr8-64798458-G-A. GRCh37 (hg19) VCF-style: chr8-65711015-G-A.
Other names: c.122+8C>T (NM_004820.4, NM_001324112.2).
Identifiers: ClinVar variation 383985 (VCV000383985.10), dbSNP rs759732698, ClinGen allele CA4764303.

ClinVar aggregate classification (germline): Likely benign. Review status: criteria provided, multiple submitters, no conflicts (2 of 4 stars). 3 submissions from 3 submitters: Likely benign (2). 1 of the submissions does not count toward it. Last evaluated 2026-01-24.

Conditions:
CYP7B1-related disorder. Also called: CYP7B1-related condition.
Spastic paraplegia. Identifiers: MedGen C0037772, HP:0001258.

Allele frequency attached by ClinVar (database versions not stated): gnomAD 0.00006; gnomAD exomes 0.00006 and 0.00018; TOPMed 0.00015; ExAC 0.00020.
gnomAD v4.1: 103 of 1,510,684 alleles (0.0068%); highest among the groups gnomAD compares: Middle Eastern, 0.044%; 1 homozygote.

Submissions (3):

Labcorp Genetics (formerly Invitae), Labcorp
Classification: Likely benign for Spastic paraplegia. Last evaluated: 2026-01-24. Review status: criteria provided, single submitter. Criteria: Invitae Variant Classification Sherloc (09022015). Collection method: clinical testing. Allele origin: germline.

GeneDx
Classification: Likely benign. Last evaluated: 2016-03-03. Review status: criteria provided, single submitter. Criteria: GeneDx Variant Classification (06012015). Collection method: clinical testing. Allele origin: germline. Affected: yes.
Comment: This variant is considered likely benign or benign based on one or more of the following criteria: it is a conservative change, it occurs at a poorly conserved position in the protein, it is predicted to be benign by multiple in silico algorithms, and/or has population frequency not consistent with disease.

PreventionGenetics, part of Exact Sciences
Classification: Likely benign for CYP7B1-related condition. Last evaluated: 2021-10-05. Review status: no assertion criteria provided. Collection method: clinical testing. Allele origin: germline. Not counted in ClinVar's aggregate classification.
Comment: This variant is classified as likely benign based on ACMG/AMP sequence variant interpretation guidelines (Richards et al. 2015 PMID: 25741868, with internal and published modifications).